The following is an entry in ClinVar:

ClinVar aggregate classification (germline): Likely benign (0 of 4 stars; one submission).

Conditions:
FOCAD-related disorder. Also called: FOCAD-related condition.

Allele frequency attached by ClinVar (database versions not stated): gnomAD exomes 0.00003.
gnomAD v4.1: 16 of 1,613,446 alleles (0.00099%); highest among the groups gnomAD compares: Middle Eastern, 0.23%; 1 homozygote.

Submission:

PreventionGenetics, part of Exact Sciences
Classification: Likely benign for FOCAD-related condition. Last evaluated: 2019-06-20. Review status: no assertion criteria provided. Collection method: clinical testing. Allele origin: germline.
Comment: This variant is classified as likely benign based on ACMG/AMP sequence variant interpretation guidelines (Richards et al. 2015 PMID: 25741868, with internal and published modifications).

NM_001375567.1(FOCAD):c.133-10T>G

Gene: FOCAD (focadhesin; plus strand). Cytogenetic location: 9p21.3.
Variant type: single nucleotide variant.
Coding change: c.133-10T>G on transcript NM_001375567.1 (MANE Select); 10 bases into the intron before coding-DNA position 133, T replaced by G.
Molecular consequence: intron variant.
Genome position (GRCh38, 1-based): chr9:20,720,370, T>G. VCF-style: chr9-20720370-T-G. GRCh37 (hg19) VCF-style: chr9-20720369-T-G.
Other names: c.133-10T>G (NM_017794.5, NM_001375568.1, NM_001375570.1).
Identifiers: ClinVar variation 3043222 (VCV003043222.2), dbSNP rs868300665, ClinGen allele CA190541984.
Genomic context (GRCh38, chr9:20,720,370, plus strand): 5'-TGACCAAAGGTGTGTGTGTGTGTGTTTGCTGCTCATCAGAATTGTCTTCTAATCACTGGT[T>G]TGGTTTCAGACTCCTGCTTTGAACTTGCTGTGGGAGAAGTGTTGCAGTGACAATGTAGTG-3'